The following is an entry in ClinVar:

NM_001281740.3(FHOD3):c.1293C>T (p.Val431=)

Gene: FHOD3 (formin homology 2 domain containing 3; plus strand). Cytogenetic location: 18q12.2.
Variant type: single nucleotide variant.
Coding change: c.1293C>T on transcript NM_001281740.3 (MANE Select); coding-DNA position 1293, C replaced by T.
Protein change: p.Val431=; no amino-acid change (valine 431 retained).
Molecular consequence: synonymous variant. On other transcripts: intron variant (2).
Genome position (GRCh38, 1-based): chr18:36,652,576, C>T. VCF-style: chr18-36652576-C-T. GRCh37 (hg19) VCF-style: chr18-34232539-C-T.
Other names: c.1197-5499C>T (NM_025135.5, NM_001281739.3).
Identifiers: ClinVar variation 4978727 (VCV004978727.1).

ClinVar aggregate classification (germline): Likely benign (1 of 4 stars; one submission).

Conditions:
FHOD3-related disorder. Also called: FHOD3-related condition.

gnomAD v4.1: 97 of 1,526,208 alleles (0.0064%); highest among the groups gnomAD compares: African/African-American, 0.023%; no homozygotes.

Submission:

PreventionGenetics, part of Exact Sciences
Classification: Likely benign for FHOD3-related condition. Last evaluated: 2026-05-29. Review status: criteria provided, single submitter. Criteria: ACMG Guidelines, 2015. Collection method: clinical testing. Allele origin: germline.
Comment: This variant is classified as likely benign based on ACMG/AMP sequence variant interpretation guidelines (Richards et al. 2015 PMID: 25741868, with internal and published modifications).